The following is an entry in ClinVar:

NM_213720.3(CHCHD10):c.196G>A (p.Gly66Ser)

Gene: CHCHD10 (coiled-coil-helix-coiled-coil-helix domain containing 10; minus strand). Cytogenetic location: 22q11.23.
Variant type: single nucleotide variant.
Coding change: c.196G>A on transcript NM_213720.3 (MANE Select); coding-DNA position 196, G replaced by A.
Protein change: p.Gly66Ser; replaces glycine 66 with serine.
Molecular consequence: missense variant. On other transcripts: non-coding transcript variant (1).
Genome position (GRCh38, 1-based): chr22:23,767,439, C>T on the plus strand (G>A on the coding strand, the complement: CHCHD10 is on the minus strand). VCF-style: chr22-23767439-C-T. GRCh37 (hg19) VCF-style: chr22-24109626-C-T.
Other names: p.Gly66Ser; c.196G>A, p.Gly66Ser (NM_001301339.2); short protein forms G66S.
Identifiers: ClinVar variation 655998 (VCV000655998.19), dbSNP rs374211312, ClinGen allele CA10145297.

ClinVar aggregate classification (germline): Conflicting classifications of pathogenicity. Review status: criteria provided, conflicting classifications (1 of 4 stars). 9 submissions from 9 submitters: Likely pathogenic (2); Uncertain significance (7). Last evaluated 2025-12-29.

Conditions:
Frontotemporal dementia and/or amyotrophic lateral sclerosis 2. Also called: FTDALS2. Identifiers: Orphanet 275872, MedGen C4014648, MONDO:0014395, OMIM 615911.
Lower motor neuron syndrome with late-adult onset (SMAJ). Also called: Spinal muscular atrophy, Jokela type; Late-Onset Spinal Motor Neuronopathy (SMAJ). Identifiers: Orphanet 276435, MedGen C3554398, MONDO:0014025, OMIM 615048.
Autosomal dominant mitochondrial myopathy with exercise intolerance (IMMD). Also called: Myopathy, isolated mitochondrial, autosomal dominant. Identifiers: Orphanet 457050, MedGen C4015513, MONDO:0014532, OMIM 616209.
Inborn genetic diseases. Identifiers: MedGen C0950123, MeSH D030342.
CHCHD10-related disorder. Also called: CHCHD10-related condition; CHCHD10-Related Disorders. Identifiers: MedGen CN381526.

Allele frequency attached by ClinVar (database versions not stated): ExAC 0.00003; gnomAD 0.00004; gnomAD exomes 0.00004 and 0.00012; TOPMed 0.00005; ESP Exome Variant Server 0.00008.
gnomAD v4.1: 175 of 1,604,970 alleles (0.011%); highest among the groups gnomAD compares: Non-Finnish European, 0.014%; no homozygotes.

Submissions (9):

Labcorp Genetics (formerly Invitae), Labcorp
Classification: Likely pathogenic for Lower motor neuron syndrome with late-adult onset; Frontotemporal dementia and/or amyotrophic lateral sclerosis 2; Autosomal dominant mitochondrial myopathy with exercise intolerance. Last evaluated: 2025-12-29. Review status: criteria provided, single submitter. Criteria: Invitae Variant Classification Sherloc (09022015). Collection method: clinical testing. Allele origin: germline.
Comment: This sequence change replaces glycine, which is neutral and non-polar, with serine, which is neutral and polar, at codon 66 of the CHCHD10 protein (p.Gly66Ser). This variant is present in population databases (rs374211312, gnomAD 0.01%). This missense change has been observed in individuals with amyotrophic lateral sclerosis (PMID: 25700176; internal data). ClinVar contains an entry for this variant (Variation ID: 655998). An algorithm developed to predict the effect of missense changes on protein structure and function (PolyPhen-2) suggests that this variant is likely to be disruptive. Experimental studies have shown that this missense change affects CHCHD10 function (PMID: 29789341). This variant disrupts the p.Gly66 amino acid residue in CHCHD10. Other variant(s) that disrupt this residue have been determined to be pathogenic (PMID: 22535186, 25428574, 26224640, 27810918, 29315381). This suggests that this residue is clinically significant, and that variants that disrupt this residue are likely to be disease-causing. In summary, the currently available evidence indicates that the variant is pathogenic, but additional data are needed to prove that conclusively. Therefore, this variant has been classified as Likely Pathogenic.

Mayo Clinic Laboratories, Mayo Clinic
Classification: Uncertain significance. Last evaluated: 2025-05-27. Review status: criteria provided, single submitter. Criteria: ACMG Guidelines, 2015. Collection method: clinical testing. Allele origin: germline. Observed: 1 variant allele.

Women's Health and Genetics/Laboratory Corporation of America, LabCorp
Classification: Likely pathogenic for Frontotemporal dementia and/or amyotrophic lateral sclerosis 2. Last evaluated: 2024-12-31. Review status: criteria provided, single submitter. Criteria: LabCorp Variant Classification Summary - May 2015. Collection method: clinical testing. Allele origin: germline.
Comment: Variant summary: CHCHD10 c.196G>A (p.Gly66Ser) results in a non-conservative amino acid change in the encoded protein sequence. Four of five in-silico tools predict a damaging effect of the variant on protein function. The variant allele was found at a frequency of 4e-05 in 226814 control chromosomes. c.196G>A has been reported in the literature in individuals affected with amyotrophic lateral sclerosis (Internal data, Lehmer_2018). These data indicate that the variant may be associated with disease. At least one publication reports experimental evidence that this variant caused intra-mitochondrial clustering (Lehmer_2018). Different variant affecting this residue (c.197G>T, p.Gly66Val) has been classified Pathogenic in ClinVar (CV ID 180221), suggesting that this amino acid residue is clinically important. The following publications have been ascertained in the context of this evaluation (PMID: 29789341). ClinVar contains an entry for this variant (Variation ID: 655998). Based on the evidence outlined above, the variant was classified as likely pathogenic.

Victorian Clinical Genetics Services, Murdoch Childrens Research Institute
Classification: Uncertain significance for Frontotemporal dementia and/or amyotrophic lateral sclerosis 2. Last evaluated: 2024-10-09. Review status: criteria provided, single submitter. Criteria: ACMG Guidelines, 2015. Collection method: clinical testing. Allele origin: germline. Inheritance: Autosomal dominant inheritance. Affected: yes.
Comment: Based on the classification scheme VCGS_Germline_v1.3.4, this variant is classified as VUS-3B. Following criteria are met: 0103 - Loss of function and toxic gain of function are suggested mechanisms of disease in this gene and are associated with autosomal dominant isolated mitochondrial myopathy (MIM#616209), frontotemporal dementia and/or amyotrophic lateral sclerosis 2 (MIM#615911) and spinal muscular atrophy, Jokela type (MIM#615048) (PMID: 36158221). (I) 0107 - This gene is associated with autosomal dominant disease. (I) 0115 - Variants in this gene are known to have variable expressivity (PMID: 26131548). (I) 0200 - Variant is predicted to result in a missense amino acid change from glycine to serine. (I) 0251 - This variant is heterozygous. (I) 0302 - Variant is present in gnomAD (v2) <0.001 for a dominant condition (11 heterozygotes, 0 homozygotes). (SP) 0309 - Multiple alternative amino acid changes at the same position have been observed in gnomAD (v2) (highest allele count: 4 heterozygotes, 0 homozygotes). (I) 0502 - Missense variant with conflicting in silico predictions and high conservation. (I) 0600 - Variant is located in the annotated hydrophobic domain (PMID: 29789341). (I) 0705 - No comparable missense variants have previous evidence for pathogenicity. (I) 0808 - Previous reports of pathogenicity for this variant are conflicting. This variant has been reported as a VUS and as likely pathogenic by clinical laboratories in ClinVar. (I) 0905 - No published segregation evidence has been identified for this variant. (I) 1010 - Functional evidence for this variant is inconclusive. The p.(Gly66Ser) substitution was reported to have little effect on CHCHD10 localisation (PMID: 29789341). (I) 1208 - Inheritance information for this variant is not currently available in this individual. (I) Legend: (SP) - Supporting pathogenic, (I) - Information, (SB) - Supporting benign

Molecular Genetics, Royal Melbourne Hospital
Classification: Uncertain significance for Autosomal dominant mitochondrial myopathy with exercise intolerance. Last evaluated: 2024-09-08. Review status: criteria provided, single submitter. Criteria: ACMG Guidelines, 2015. Collection method: clinical testing. Allele origin: germline. Inheritance: Autosomal dominant inheritance.

Blueprint Genetics
Classification: Uncertain significance. Last evaluated: 2024-08-09. Review status: criteria provided, single submitter. Criteria: ACMG Guidelines, 2015. Collection method: clinical testing. Allele origin: germline.

PreventionGenetics, part of Exact Sciences
Classification: Uncertain significance for CHCHD10-related condition. Last evaluated: 2023-04-12. Review status: criteria provided, single submitter. Criteria: ACMG Guidelines, 2015. Collection method: clinical testing. Allele origin: germline.
Comment: The CHCHD10 c.196G>A variant is predicted to result in the amino acid substitution p.Gly66Ser. In functional studies, the p.Gly66Ser substitution was reported to not have an effect on CHCHD10 localization, but to possibly have a subtle effect on mitochondrial morphology (Lehmer et al. 2018. PubMed ID: 29789341). A different amino acid substitution at this position (p.Gly66Val) has been reported in many patients with CHCHD10-related disorders (Sainio MT et al 2021. PubMed ID: 34418069; Jokela et al. 2016. PubMed ID: 27177996; Pasanen et al. 2016. PubMed ID: 26224640). This variant is reported in 0.0095% of alleles in individuals of European (Non-Finnish) descent in gnomAD. At this time, the clinical significance of this variant is uncertain due to the absence of conclusive functional and genetic evidence.

Revvity Omics, Revvity
Classification: Uncertain significance. Last evaluated: 2022-04-21. Review status: criteria provided, single submitter. Criteria: ACMG Guidelines, 2015. Collection method: clinical testing. Allele origin: germline.

Ambry Genetics
Classification: Uncertain significance for Inborn genetic diseases. Last evaluated: 2022-03-23. Review status: criteria provided, single submitter. Criteria: Ambry Variant Classification Scheme 2023. Collection method: clinical testing. Allele origin: germline.
Comment: The p.G66S variant (also known as c.196G>A), located in coding exon 2 of the CHCHD10 gene, results from a G to A substitution at nucleotide position 196. The glycine at codon 66 is replaced by serine, an amino acid with similar properties. One study found that this alteration had little effect on CHCHD10 localization, but led to intra-mitochondrial clustering (Lehmer C et al. EMBO Mol Med, 2018 06;10:). This amino acid position is highly conserved in available vertebrate species. In addition, this alteration is predicted to be deleterious by in silico analysis. Since supporting evidence is limited at this time, the clinical significance of this alteration remains unclear.

Literature cited by the submitters: PubMed 25700176 (cited by Labcorp Genetics (formerly Invitae), Labcorp); PubMed 29789341 (cited by 5 submitters); PubMed 22535186 (cited by Labcorp Genetics (formerly Invitae), Labcorp); PubMed 25428574 (cited by Labcorp Genetics (formerly Invitae), Labcorp); PubMed 26224640 (cited by Labcorp Genetics (formerly Invitae), Labcorp); PubMed 27810918 (cited by Labcorp Genetics (formerly Invitae), Labcorp); PubMed 29315381 (cited by Labcorp Genetics (formerly Invitae), Labcorp); PubMed 33715390 (cited by Mayo Clinic Laboratories, Mayo Clinic); PubMed 26131548 (cited by Victorian Clinical Genetics Services, Murdoch Childrens Research Institute); PubMed 36158221 (cited by Victorian Clinical Genetics Services, Murdoch Childrens Research Institute).